The following is an entry in ClinVar:

ClinVar aggregate classification (germline): Uncertain significance. Review status: criteria provided, multiple submitters, no conflicts (2 of 4 stars). 3 submissions from 3 submitters: Uncertain significance (3). Last evaluated 2025-02-25.

Conditions:
Inborn genetic diseases. Identifiers: MedGen C0950123, MeSH D030342.

Allele frequency attached by ClinVar (database versions not stated): gnomAD exomes below 0.00001; TOPMed below 0.00001.
gnomAD v4.1: 1 of 1,608,042 alleles (0.000062%); highest among the groups gnomAD compares: Non-Finnish European, 0.000085%; no homozygotes.

Submissions (3):

Labcorp Genetics (formerly Invitae), Labcorp
Classification: Uncertain significance. Last evaluated: 2025-02-25. Review status: criteria provided, single submitter. Criteria: Invitae Variant Classification Sherloc (09022015). Collection method: clinical testing. Allele origin: germline.
Comment: This sequence change replaces asparagine, which is neutral and polar, with serine, which is neutral and polar, at codon 332 of the JAK2 protein (p.Asn332Ser). This variant is not present in population databases (gnomAD no frequency). This variant has not been reported in the literature in individuals affected with JAK2-related conditions. ClinVar contains an entry for this variant (Variation ID: 1337852). An algorithm developed to predict the effect of missense changes on protein structure and function outputs the following: PolyPhen-2: "Benign". The serine amino acid residue is found in multiple mammalian species, which suggests that this missense change does not adversely affect protein function. In summary, the available evidence is currently insufficient to determine the role of this variant in disease. Therefore, it has been classified as a Variant of Uncertain Significance.

Ambry Genetics
Classification: Uncertain significance for Inborn genetic diseases. Last evaluated: 2023-03-28. Review status: criteria provided, single submitter. Criteria: Ambry Variant Classification Scheme 2023. Collection method: clinical testing. Allele origin: germline.

Genetic Services Laboratory, University of Chicago
Classification: Uncertain significance. Last evaluated: 2021-03-10. Review status: criteria provided, single submitter. Criteria: ACMG Guidelines, 2015. Collection method: clinical testing. Allele origin: germline. Affected: no.

NM_004972.4(JAK2):c.995A>G (p.Asn332Ser)

Genes: INSL6 (insulin like 6; minus strand), JAK2 (Janus kinase 2; plus strand). Cytogenetic location: 9p24.1.
Variant type: single nucleotide variant.
Coding change: c.995A>G on transcript NM_004972.4 (MANE Select); coding-DNA position 995, A replaced by G.
Protein change: p.Asn332Ser; replaces asparagine 332 with serine.
Molecular consequence: missense variant. On other transcripts: 5 prime UTR variant (2), non-coding transcript variant (2).
Genome position (GRCh38, 1-based): chr9:5,055,727, A>G. VCF-style: chr9-5055727-A-G. GRCh37 (hg19) VCF-style: chr9-5055727-A-G.
Other names: c.995A>G (NM_004972.3); c.995A>G, p.Asn332Ser (NM_001322194.2, NM_001322195.2, NM_001322196.2); c.-221A>G (NM_001322198.2, NM_001322199.2); c.548A>G, p.Asn183Ser (NM_001322204.2); short protein forms N183S, N332S.
Identifiers: ClinVar variation 1337852 (VCV001337852.7), dbSNP rs1817717168, ClinGen allele CA372821527.